The following is an entry in ClinVar:

NM_004958.4(MTOR):c.4320T>C (p.Phe1440=)

Gene: MTOR (mechanistic target of rapamycin kinase; minus strand). Cytogenetic location: 1p36.22.
Variant type: single nucleotide variant.
Coding change: c.4320T>C on transcript NM_004958.4 (MANE Select); coding-DNA position 4320, T replaced by C.
Protein change: p.Phe1440=; no amino-acid change (phenylalanine 1440 retained).
Molecular consequence: synonymous variant.
Genome position (GRCh38, 1-based): chr1:11,167,451, A>G on the plus strand (T>C on the coding strand, the complement: MTOR is on the minus strand). VCF-style: chr1-11167451-A-G. GRCh37 (hg19) VCF-style: chr1-11227508-A-G.
Other names: c.4320T>C, p.Phe1440= (NM_001386500.1); c.3072T>C, p.Phe1024= (NM_001386501.1).
Identifiers: ClinVar variation 3053575 (VCV003053575.2), dbSNP rs2522695599, ClinGen allele CA415915908.
Genomic context (GRCh38, chr1:11,167,451, plus strand): 5'-CCCTAGCCAAGTCTCTACCTCCTGCTTTTCCAAAAAGAATGAGGTGCTTACCAGCTCTCC[A>G]AAGTGTTTCATGGCATATTCTAACACTCCGGCCGCTGCCTCCGGCTGCTGTAGCTTATTA-3'
Protein context (NP_004949.1, residues 1430-1450): AGVLEYAMKH[Phe1440=]GELEIQATWY

ClinVar aggregate classification (germline): Likely benign (0 of 4 stars; one submission).

Conditions:
MTOR-related disorder. Also called: MTOR-related condition.

Submission:

PreventionGenetics, part of Exact Sciences
Classification: Likely benign for MTOR-related condition. Last evaluated: 2022-07-20. Review status: no assertion criteria provided. Collection method: clinical testing. Allele origin: germline.
Comment: This variant is classified as likely benign based on ACMG/AMP sequence variant interpretation guidelines (Richards et al. 2015 PMID: 25741868, with internal and published modifications).